The following is an entry in ClinVar:

ClinVar aggregate classification (germline): Uncertain significance (1 of 4 stars; one submission).

Conditions:
Hereditary cancer-predisposing syndrome. Also called: Neoplastic Syndromes, Hereditary; Tumor predisposition; Hereditary Cancer Syndrome; Hereditary neoplastic syndrome. Identifiers: Orphanet 140162, MedGen C0027672, MeSH D009386, MONDO:0015356.

Submission:

Color Diagnostics, LLC DBA Color Health
Classification: Uncertain significance for Hereditary cancer-predisposing syndrome. Last evaluated: 2023-01-09. Review status: criteria provided, single submitter. Criteria: ACMG Guidelines, 2015. Collection method: clinical testing. Allele origin: germline.
Comment: This missense variant replaces asparagine with histidine at codon 268 of the BRCA1 protein. Computational prediction suggests that this variant may not impact protein structure and function (internally defined REVEL score threshold <= 0.5, PMID: 27666373). To our knowledge, functional studies have not been reported for this variant. This variant has not been reported in individuals affected with BRCA1-related disorders in the literature. This variant has not been identified in the general population by the Genome Aggregation Database (gnomAD). The available evidence is insufficient to determine the role of this variant in disease conclusively. Therefore, this variant is classified as a Variant of Uncertain Significance.

NM_007294.4(BRCA1):c.802A>C (p.Asn268His)

Gene: BRCA1 (BRCA1 DNA repair associated; minus strand). Cytogenetic location: 17q21.31.
Variant type: single nucleotide variant.
Coding change: c.802A>C on transcript NM_007294.4 (MANE Select); coding-DNA position 802, A replaced by C.
Protein change: p.Asn268His; replaces asparagine 268 with histidine.
Molecular consequence: missense variant. On other transcripts: 5 prime UTR variant (2), intron variant (137).
Genome position (GRCh38, 1-based): chr17:43,094,729, T>G on the plus strand (A>C on the coding strand, the complement: BRCA1 is on the minus strand). VCF-style: chr17-43094729-T-G. GRCh37 (hg19) VCF-style: chr17-41246746-T-G.
Other names: c.679A>C, p.Asn227His (NM_001407665.1, NM_001407666.1, NM_001407667.1 and 19 more transcripts); c.799A>C, p.Asn267His (NM_001407630.1, NM_001407628.1, NM_001407631.1 and 22 more transcripts); c.802A>C, p.Asn268His (NM_001407639.1, NM_007300.4, NM_001407581.1 and 30 more transcripts); c.658A>C, p.Asn220His (NM_001407749.1, NM_001407747.1, NM_001407748.1 and 20 more transcripts); c.661A>C, p.Asn221His (NM_001407750.1, NM_001407751.1, NM_001407945.1 and 29 more transcripts); c.676A>C, p.Asn226His (NM_001407673.1, NM_001407670.1, NM_001407671.1 and 11 more transcripts); c.469A>C, p.Asn157His (NM_001407946.1, NM_001407947.1, NM_001407948.1 and 6 more transcripts); c.466A>C, p.Asn156His (NM_001407954.1, NM_001407955.1, NM_001407956.1 and 1 more transcripts); and 40 more; short protein forms N201H, N227H, N268H, N140H, N197H, N141H, N179H, N198H.
Identifiers: ClinVar variation 2774865 (VCV002774865.2), dbSNP rs1555593066, ClinGen allele CA10600480.